The following is an entry in ClinVar:

NM_001267550.2(TTN):c.64843dup (p.Thr21615fs)

Genes: TTN-AS1 (TTN antisense RNA 1; plus strand), TTN (titin; minus strand). Cytogenetic location: 2q31.2.
Variant type: Duplication.
Coding change: c.64843dup on transcript NM_001267550.2 (MANE Select); coding-DNA position 64843, one base duplicated (A; older notation c.64843dupA).
Protein change: p.Thr21615fs; shifts the reading frame from threonine 21615.
Molecular consequence: frameshift variant. On other transcripts: non-coding transcript variant (1).
Genome position (GRCh38, 1-based): chr2:178,584,798, T duplicated on the plus strand (A on the coding strand, the reverse complement: TTN is on the minus strand). VCF-style (leftmost placement, unchanged base first): chr2-178584797-G-GT. GRCh37 (hg19) VCF-style: chr2-179449524-G-GT.
Other names: c.59920dup, p.Thr19974fs (NM_001256850.1); c.37648dup, p.Thr12550fs (NM_003319.4); c.57139dup, p.Thr19047fs (NM_133378.4); c.38023dup, p.Thr12675fs (NM_133432.3); c.38224dup, p.Thr12742fs (NM_133437.4); short protein forms T12742fs, T19974fs, T21615fs, T12550fs, T12675fs, T19047fs.
Identifiers: ClinVar variation 940344 (VCV000940344.10), dbSNP rs2048567077, ClinGen allele CA1139657438.
Genomic context (GRCh38, chr2:178,584,797, plus strand): 5'-CGGACCCGGAAGATGTACTCCTGGCCTGGGATCAGCTTTCCAACCCTGCAGGAAGTTTTT[G>GT]TGACTGAAGCTAGAGCCGTGACCCAGTCACCTCGGCTTACATCACACTTCTCCACTATAT-3'

ClinVar aggregate classification (germline): Likely pathogenic (1 of 4 stars; one submission).

Conditions:
Dilated cardiomyopathy 1G (CMD1G). Identifiers: Orphanet 154, MedGen C1858763, MONDO:0011400, OMIM 604145.
Autosomal recessive limb-girdle muscular dystrophy type 2J (LGMDR10). Also called: Limb-girdle muscular dystrophy, type 2J; MUSCULAR DYSTROPHY, LIMB-GIRDLE, AUTOSOMAL RECESSIVE 10. Identifiers: Orphanet 140922, MedGen C1837342, MONDO:0012127, OMIM 608807.

Submission:

Labcorp Genetics (formerly Invitae), Labcorp
Classification: Likely pathogenic for Dilated cardiomyopathy 1G; Autosomal recessive limb-girdle muscular dystrophy type 2J. Last evaluated: 2019-10-13. Review status: criteria provided, single submitter. Criteria: Invitae Variant Classification Sherloc (09022015). Collection method: clinical testing. Allele origin: germline.
Comment: This sequence change results in a premature translational stop signal in the TTN gene (p.Thr21615Asnfs*23). While this is not anticipated to result in nonsense mediated decay, it is expected to create a truncated TTN protein. This variant is not present in population databases (ExAC no frequency). This variant has not been reported in the literature in individuals with TTN-related conditions. This variant is located in the A band of TTN (PMID: 25589632). Truncating variants in this region are significantly overrepresented in patients affected with dilated cardiomyopathy (PMID: 25589632). Truncating variants in this region have also been reported in individuals affected with autosomal recessive centronuclear myopathy (PMID: 23975875). In summary, the currently available evidence indicates that the variant is pathogenic, but additional data are needed to prove that conclusively. Therefore, this variant has been classified as Likely Pathogenic.

Literature cited by the submitters: PubMed 25589632; PubMed 23975875.